The following is an entry in ClinVar:

ClinVar aggregate classification (germline): Uncertain significance (1 of 4 stars; one submission).

gnomAD v4.1: 7 of 1,613,904 alleles (0.00043%); highest among the groups gnomAD compares: South Asian, 0.0055%; no homozygotes.

Submission:

Labcorp Genetics (formerly Invitae), Labcorp
Classification: Uncertain significance. Last evaluated: 2025-07-14. Review status: criteria provided, single submitter. Criteria: Invitae Variant Classification Sherloc (09022015). Collection method: clinical testing. Allele origin: germline.
Comment: This sequence change replaces isoleucine, which is neutral and non-polar, with valine, which is neutral and non-polar, at codon 379 of the SEPT9 protein (p.Ile379Val). This variant is present in population databases (rs751867773, gnomAD 0.006%). This variant has not been reported in the literature in individuals affected with SEPT9-related conditions. Invitae Evidence Modeling of protein sequence and biophysical properties (such as structural, functional, and spatial information, amino acid conservation, physicochemical variation, residue mobility, and thermodynamic stability) indicates that this missense variant is not expected to disrupt SEPT9 protein function with a negative predictive value of 80%. In summary, the available evidence is currently insufficient to determine the role of this variant in disease. Therefore, it has been classified as a Variant of Uncertain Significance.

NM_001113491.2(SEPTIN9):c.1189A>G (p.Ile397Val)

Gene: SEPTIN9 (septin 9; plus strand). Cytogenetic location: 17q25.3.
Variant type: single nucleotide variant.
Coding change: c.1189A>G on transcript NM_001113491.2 (MANE Select); coding-DNA position 1189, A replaced by G.
Protein change: p.Ile397Val; replaces isoleucine 397 with valine.
Molecular consequence: missense variant.
Genome position (GRCh38, 1-based): chr17:77,488,791, A>G. VCF-style: chr17-77488791-A-G. GRCh37 (hg19) VCF-style: chr17-75484873-A-G.
Other names: c.697A>G, p.Ile233Val (NM_001113492.2, NM_001113494.1); c.1168A>G, p.Ile390Val (NM_001113493.2); c.436A>G, p.Ile146Val (NM_001113495.2, NM_001113496.2, NM_001293697.2 and 1 more transcripts); c.1132A>G, p.Ile378Val (NM_001293695.2); c.517A>G, p.Ile173Val (NM_001293696.2); c.1135A>G, p.Ile379Val (NM_006640.5); short protein forms I173V, I233V, I390V, I146V, I379V, I397V, I378V.
Identifiers: ClinVar variation 4776277 (VCV004776277.1).